The following is an entry in ClinVar:

NM_005338.7(HIP1):c.405T>C (p.Tyr135=)

Gene: HIP1 (huntingtin interacting protein 1; minus strand). Cytogenetic location: 7q11.23.
Variant type: single nucleotide variant.
Coding change: c.405T>C on transcript NM_005338.7 (MANE Select); coding-DNA position 405, T replaced by C.
Protein change: p.Tyr135=; no amino-acid change (tyrosine 135 retained).
Molecular consequence: synonymous variant.
Genome position (GRCh38, 1-based): chr7:75,586,813, A>G on the plus strand (T>C on the coding strand, the complement: HIP1 is on the minus strand). VCF-style: chr7-75586813-A-G. GRCh37 (hg19) VCF-style: chr7-75216131-A-G.
Other names: c.405T>C, p.Tyr135= (NM_001243198.3); c.303T>C, p.Tyr101= (NM_001382444.1); c.318T>C, p.Tyr106= (NM_001382445.1).
Identifiers: ClinVar variation 3040078 (VCV003040078.2), dbSNP rs372524247, ClinGen allele CA4302642.

ClinVar aggregate classification (germline): Likely benign (0 of 4 stars; one submission).

Conditions:
HIP1-related disorder. Also called: HIP1-related condition.

Allele frequency attached by ClinVar (database versions not stated): ESP Exome Variant Server 0.00008; ExAC 0.00009; gnomAD exomes 0.00013; gnomAD 0.00020; TOPMed 0.00022; 1000 Genomes Project 30x 0.00031; 1000 Genomes Project 0.00040.
gnomAD v4.1: 233 of 1,613,280 alleles (0.014%); highest among the groups gnomAD compares: Admixed American, 0.082%; no homozygotes.

Submission:

PreventionGenetics, part of Exact Sciences
Classification: Likely benign for HIP1-related condition. Last evaluated: 2019-09-13. Review status: no assertion criteria provided. Collection method: clinical testing. Allele origin: germline.
Comment: This variant is classified as likely benign based on ACMG/AMP sequence variant interpretation guidelines (Richards et al. 2015 PMID: 25741868, with internal and published modifications).